The following is an entry in ClinVar:

ClinVar aggregate classification (germline): Uncertain significance (1 of 4 stars; one submission).

Conditions:
Inborn genetic diseases. Identifiers: MedGen C0950123, MeSH D030342.

Submission:

Ambry Genetics
Classification: Uncertain significance for Inborn genetic diseases. Last evaluated: 2021-04-08. Review status: criteria provided, single submitter. Criteria: Ambry Variant Classification Scheme 2023. Collection method: clinical testing. Allele origin: germline.
Comment: The c.689+5G>A intronic alteration consists of a G to A substitution 5 nucleotides after exon 4 (coding exon 3) of the RMND1 gene. Based on insufficient or conflicting evidence, the clinical significance of this alteration remains unclear.

NM_017909.4(RMND1):c.689+5G>A

Gene: RMND1 (required for meiotic nuclear division 1 homolog; minus strand). Cytogenetic location: 6q25.1.
Variant type: single nucleotide variant.
Coding change: c.689+5G>A on transcript NM_017909.4 (MANE Select); 5 bases into the intron after coding-DNA position 689, G replaced by A.
Molecular consequence: intron variant.
Genome position (GRCh38, 1-based): chr6:151,433,150, C>T on the plus strand (G>A on the coding strand, the complement: RMND1 is on the minus strand). VCF-style: chr6-151433150-C-T. GRCh37 (hg19) VCF-style: chr6-151754285-C-T.
Other names: c.179+5G>A (NM_001271937.2).
Identifiers: ClinVar variation 2229606 (VCV002229606.2), dbSNP rs2485930711, ClinGen allele CA2578772225.